The following is an entry in ClinVar:

NM_000368.5(TSC1):c.1218C>T (p.Tyr406=)

Gene: TSC1 (TSC complex subunit 1; minus strand). Cytogenetic location: 9q34.13.
Variant type: single nucleotide variant.
Coding change: c.1218C>T on transcript NM_000368.5 (MANE Select); coding-DNA position 1218, C replaced by T.
Protein change: p.Tyr406=; no amino-acid change (tyrosine 406 retained).
Molecular consequence: synonymous variant.
Genome position (GRCh38, 1-based): chr9:132,910,616, G>A on the plus strand (C>T on the coding strand, the complement: TSC1 is on the minus strand). VCF-style: chr9-132910616-G-A. GRCh37 (hg19) VCF-style: chr9-135786003-G-A.
Other names: c.1215C>T, p.Tyr405= (NM_001162426.2); c.1065C>T, p.Tyr355= (NM_001162427.2); c.855C>T, p.Tyr285= (NM_001362177.2).
Identifiers: ClinVar variation 255945 (VCV000255945.52), dbSNP rs373465241, ClinGen allele CA027315.
Genomic context (GRCh38, chr9:132,910,616, plus strand): 5'-CGAGCTGGATCGCACCTTCCTGGGGGGTGTGACTGTGGCCTGGGGGAGTGAAATGTGCAC[G>A]TAGTCATCCGAATGACAGAGTGGGGCTGGAGGAGGAGAGGTTGCTGGGGTTCCCAGAGGA-3'
Protein context (NP_000359.1, residues 396-416): PPAPLCHSDD[Tyr406=]VHISLPQATV

ClinVar aggregate classification (germline): Benign/Likely benign. Review status: criteria provided, multiple submitters, no conflicts (2 of 4 stars). 15 submissions from 14 submitters: Benign (10); Likely benign (5). Last evaluated 2026-05-01.

Conditions:
Hereditary cancer-predisposing syndrome. Also called: Tumor predisposition; Hereditary Cancer Syndrome; Neoplastic Syndromes, Hereditary; Hereditary neoplastic syndrome. Identifiers: Orphanet 140162, MedGen C0027672, MeSH D009386, MONDO:0015356.
Tuberous sclerosis syndrome (TSC). Also called: Tuberous Sclerosis Complex; Tuberous sclerosis. Identifiers: Orphanet 805, MedGen C0041341, MONDO:0001734.
Isolated focal cortical dysplasia type II (FCORD2). Also called: CORTICAL DYSPLASIA OF TAYLOR; Focal cortical dysplasia type II. Identifiers: Orphanet 268994, MedGen C1846385, MONDO:0011818, OMIM 607341, HP:0032051.
Tuberous sclerosis 1 (TSC1). Identifiers: Orphanet 805, MedGen C1854465, MONDO:0008612, OMIM 191100.
Lymphangiomyomatosis (LAM). Also called: Lymphangioleiomyomatosis; Lymphangioleiomyomatosis, somatic. Identifiers: Orphanet 538, MedGen C0751674, MONDO:0011705, OMIM 606690.

Allele frequency attached by ClinVar (database versions not stated): gnomAD 0.00003 and 0.00007; TOPMed 0.00005; ESP Exome Variant Server 0.00008; gnomAD exomes 0.00029; 1000 Genomes Project 30x 0.00031; 1000 Genomes Project 0.00040; ExAC 0.00041.
gnomAD v4.1: 219 of 1,614,108 alleles (0.014%); highest among the groups gnomAD compares: South Asian, 0.18%; 2 homozygotes.

Submissions (15):

CeGaT Center for Human Genetics Tuebingen
Classification: Likely benign. Last evaluated: 2026-05-01. Review status: criteria provided, single submitter. Criteria: CeGaT Center For Human Genetics Tuebingen Variant Classification Criteria Version 2. Collection method: clinical testing. Allele origin: germline. Affected: yes. Observed: 3 variant alleles.
Comment: TSC1: BS1

Labcorp Genetics (formerly Invitae), Labcorp
Classification: Benign for Tuberous sclerosis 1. Last evaluated: 2026-02-03. Review status: criteria provided, single submitter. Criteria: Invitae Variant Classification Sherloc (09022015). Collection method: clinical testing. Allele origin: germline.

Myriad Genetics, Inc.
Classification: Benign for Tuberous sclerosis 1. Last evaluated: 2025-04-09. Review status: criteria provided, single submitter. Criteria: Myriad Autosomal Dominant, Autosomal Recessive and X-Linked Classification Criteria (2023). Collection method: clinical testing. Allele origin: unknown.
Comment: This variant is considered benign. This variant is a silent/synonymous amino acid change and it is not expected to impact splicing.

Blueprint Genetics
Classification: Benign. Last evaluated: 2024-11-26. Review status: criteria provided, single submitter. Criteria: ACMG Guidelines, 2015. Collection method: clinical testing. Allele origin: germline.

All of Us Research Program, National Institutes of Health
Classification: Benign for Tuberous sclerosis syndrome. Last evaluated: 2023-12-13. Review status: criteria provided, single submitter. Criteria: ACMG Guidelines, 2015. Collection method: clinical testing. Allele origin: germline. Inheritance: Autosomal dominant inheritance. Observed: 15 variant alleles, 15 heterozygotes.
Comment: This study involves interpretation of variants in research participants for the purpose of population health screening. Participant phenotype was not available at the time of variant classification. Additional details can be found in publication PMID: 35346344, PMCID: PMC8962531

Color Diagnostics, LLC DBA Color Health
Classification: Benign for Tuberous sclerosis syndrome. Last evaluated: 2022-08-31. Review status: criteria provided, single submitter. Criteria: ACMG Guidelines, 2015. Collection method: clinical testing. Allele origin: germline.

Sema4
Classification: Benign for Hereditary cancer-predisposing syndrome. Last evaluated: 2022-02-11. Review status: criteria provided, single submitter. Criteria: Sema4 Curation Guidelines. Collection method: curation. Allele origin: germline.

Genome-Nilou Lab
Classification: Benign for Tuberous sclerosis 1. Last evaluated: 2021-11-07. Review status: criteria provided, single submitter. Criteria: ACMG Guidelines, 2015. Collection method: clinical testing. Allele origin: germline. Affected: no.

Fulgent Genetics
Classification: Likely benign for Tuberous sclerosis 1; Lymphangiomyomatosis; Isolated focal cortical dysplasia type II. Last evaluated: 2021-07-19. Review status: criteria provided, single submitter. Criteria: ACMG Guidelines, 2015. Collection method: clinical testing. Allele origin: unknown.

Eurofins Ntd Llc (ga)
Classification: Likely benign. Last evaluated: 2018-03-09. Review status: criteria provided, single submitter. Criteria: EGL ClinVar v180209 classification definitions. Collection method: clinical testing. Allele origin: germline. Observed: 2 variant alleles, 2 heterozygotes.

Illumina Laboratory Services, Illumina
Classification: Benign for Isolated focal cortical dysplasia type II. Last evaluated: 2018-01-13. Review status: criteria provided, single submitter. Criteria: ICSL Variant Classification Criteria 13 December 2019. Collection method: clinical testing. Allele origin: germline.
Comment: This variant was observed in the ICSL laboratory as part of a predisposition screen in an ostensibly healthy population. It had not been previously curated by ICSL or reported in the Human Gene Mutation Database (HGMD: prior to June 1st, 2018), and was therefore a candidate for classification through an automated scoring system. Utilizing variant allele frequency, disease prevalence and penetrance estimates, and inheritance mode, an automated score was calculated to assess if this variant is too frequent to cause the disease. Based on the score and internal cut-off values, a variant classified as benign is not then subjected to further curation. The score for this variant resulted in a classification of benign for this disease.

Illumina Laboratory Services, Illumina
Classification: Benign for Tuberous sclerosis 1. Last evaluated: 2018-01-13. Review status: criteria provided, single submitter. Criteria: ICSL Variant Classification Criteria 13 December 2019. Collection method: clinical testing. Allele origin: germline.
Comment: the same text as in the submission from Illumina Laboratory Services, Illumina above.

Ambry Genetics
Classification: Likely benign for Hereditary cancer-predisposing syndrome. Last evaluated: 2017-03-08. Review status: criteria provided, single submitter. Criteria: Ambry Variant Classification Scheme 2023. Collection method: clinical testing. Allele origin: germline.

GeneDx
Classification: Benign. Last evaluated: 2015-07-21. Review status: criteria provided, single submitter. Criteria: GeneDx Variant Classification (06012015). Collection method: clinical testing. Allele origin: germline. Affected: yes.
Comment: This variant is considered likely benign or benign based on one or more of the following criteria: it is a conservative change, it occurs at a poorly conserved position in the protein, it is predicted to be benign by multiple in silico algorithms, and/or has population frequency not consistent with disease.

PreventionGenetics, part of Exact Sciences
Classification: Likely benign. Review status: criteria provided, single submitter. Criteria: ACMG Guidelines, 2015. Collection method: clinical testing. Allele origin: germline.